The following is an entry in ClinVar:

NM_001283009.2(RTEL1):c.2142-1G>T

Genes: RTEL1 (regulator of telomere elongation helicase 1; plus strand), RTEL1-TNFRSF6B (RTEL1-TNFRSF6B readthrough (NMD candidate); plus strand). Cytogenetic location: 20q13.33.
Variant type: single nucleotide variant.
Coding change: c.2142-1G>T on transcript NM_001283009.2 (MANE Select); the canonical splice acceptor site of the intron before coding-DNA position 2142, G replaced by T.
Molecular consequence: splice acceptor variant.
Genome position (GRCh38, 1-based): chr20:63,690,086, G>T. VCF-style: chr20-63690086-G-T. GRCh37 (hg19) VCF-style: chr20-62321439-G-T.
Other names: c.2142-1G>T (NM_016434.4); c.1473-1G>T (NM_001283010.1); c.2214-1G>T (NM_032957.5).
Identifiers: ClinVar variation 2942650 (VCV002942650.3), dbSNP rs2090696366, ClinGen allele CA409679543.

ClinVar aggregate classification (germline): Likely pathogenic (1 of 4 stars; one submission).

Conditions:
Dyskeratosis congenita, autosomal recessive 5 (DKCB5). Identifiers: MedGen C3554656, MONDO:0014076, OMIM 615190.
Pulmonary fibrosis and/or bone marrow failure, Telomere-related, 3. Also called: PULMONARY FIBROSIS AND/OR BONE MARROW FAILURE SYNDROME, TELOMERE-RELATED, 3. Identifiers: Orphanet 2032, MedGen C4225346, MONDO:0014613, OMIM 616373.

Submission:

Labcorp Genetics (formerly Invitae), Labcorp
Classification: Likely pathogenic for Dyskeratosis congenita, autosomal recessive 5; Pulmonary fibrosis and/or bone marrow failure, Telomere-related, 3. Last evaluated: 2025-06-18. Review status: criteria provided, single submitter. Criteria: Invitae Variant Classification Sherloc (09022015). Collection method: clinical testing. Allele origin: germline.
Comment: This sequence change affects an acceptor splice site in intron 24 of the RTEL1 gene. It is expected to disrupt RNA splicing. Variants that disrupt the donor or acceptor splice site typically lead to a loss of protein function (PMID: 16199547), and loss-of-function variants in RTEL1 are known to be pathogenic (PMID: 23453664, 23959892, 25607374). This variant is not present in population databases (gnomAD no frequency). This variant has not been reported in the literature in individuals affected with RTEL1-related conditions. ClinVar contains an entry for this variant (Variation ID: 2942650). Algorithms developed to predict the effect of sequence changes on RNA splicing suggest that this variant may disrupt the consensus splice site. In summary, the currently available evidence indicates that the variant is pathogenic, but additional data are needed to prove that conclusively. Therefore, this variant has been classified as Likely Pathogenic.

Literature cited by the submitters: PubMed 16199547; PubMed 23453664; PubMed 23959892; PubMed 25607374.